The following is an entry in ClinVar:

NM_201596.3(CACNB2):c.1880G>A (p.Arg627His)

Gene: CACNB2 (calcium voltage-gated channel auxiliary subunit beta 2; plus strand). Cytogenetic location: 10p12.31.
Variant type: single nucleotide variant.
Coding change: c.1880G>A on transcript NM_201596.3 (MANE Select); coding-DNA position 1880, G replaced by A.
Protein change: p.Arg627His; replaces arginine 627 with histidine.
Molecular consequence: missense variant.
Genome position (GRCh38, 1-based): chr10:18,539,621, G>A. VCF-style: chr10-18539621-G-A. GRCh37 (hg19) VCF-style: chr10-18828550-G-A.
Other names: c.1715G>A, p.Arg572His (NM_000724.4); c.1682G>A, p.Arg561His (NM_001167945.2); c.1601G>A, p.Arg534His (NM_001330060.2); c.1622G>A, p.Arg541His (NM_001410882.1); c.1736G>A, p.Arg579His (NM_201570.3); c.1796G>A, p.Arg599His (NM_201571.4); c.1724G>A, p.Arg575His (NM_201572.4); c.1718G>A, p.Arg573His (NM_201590.3); and 2 more; short protein forms R534H, R541H, R573H, R589H, R627H, R579H, R561H, R603H.
Identifiers: ClinVar variation 2625181 (VCV002625181.2), dbSNP rs758934103, ClinGen allele CA5430193.

ClinVar aggregate classification (germline): Uncertain significance (1 of 4 stars; one submission).

Conditions:
Cardiovascular phenotype. Identifiers: MedGen CN230736.

Allele frequency attached by ClinVar (database versions not stated): gnomAD 0.00001; TOPMed 0.00001; ExAC 0.00004.
gnomAD v4.1: 29 of 1,613,498 alleles (0.0018%); highest among the groups gnomAD compares: South Asian, 0.013%; 2 homozygotes.

Submission:

Ambry Genetics
Classification: Uncertain significance for Cardiovascular phenotype. Last evaluated: 2023-09-01. Review status: criteria provided, single submitter. Criteria: Ambry Variant Classification Scheme 2023. Collection method: clinical testing. Allele origin: germline.
Comment: The p.R573H variant (also known as c.1718G>A), located in coding exon 13 of the CACNB2 gene, results from a G to A substitution at nucleotide position 1718. The arginine at codon 573 is replaced by histidine, an amino acid with highly similar properties. This amino acid position is well conserved in available vertebrate species. In addition, the in silico prediction for this alteration is inconclusive. The evidence for this gene-disease relationship is limited; therefore, the clinical significance of this alteration is unclear.